The following is an entry in ClinVar:

ClinVar aggregate classification (germline): Uncertain significance (1 of 4 stars; one submission).

Allele frequency attached by ClinVar (database versions not stated): TOPMed below 0.00001; gnomAD 0.00001.
gnomAD v4.1: 1 of 1,611,066 alleles (0.000062%); highest among the groups gnomAD compares: African/African-American, 0.0013%; no homozygotes.

Submission:

Women's Health and Genetics/Laboratory Corporation of America, LabCorp
Classification: Uncertain significance. Last evaluated: 2022-12-07. Review status: criteria provided, single submitter. Criteria: LabCorp Variant Classification Summary - May 2015. Collection method: clinical testing. Allele origin: germline.
Comment: Variant summary: PHIP c.1505T>C (p.Ile502Thr) results in a non-conservative amino acid change in the encoded protein sequence. Three of five in-silico tools predict a benign effect of the variant on protein function. The variant was absent in 250618 control chromosomes. The available data on variant occurrences in the general population are insufficient to allow any conclusion about variant significance. To our knowledge, no occurrence of c.1505T>C in individuals affected with Developmental Delay, Intellectual Disability, Obesity, And Dysmorphic Features and no experimental evidence demonstrating its impact on protein function have been reported. No clinical diagnostic laboratories have submitted clinical-significance assessments for this variant to ClinVar after 2014. Based on the evidence outlined above, the variant was classified as uncertain significance.

NM_017934.7(PHIP):c.1505T>C (p.Ile502Thr)

Gene: PHIP (PHIP subunit of CUL4-Ring ligase complex; minus strand). Cytogenetic location: 6q14.1.
Variant type: single nucleotide variant.
Coding change: c.1505T>C on transcript NM_017934.7 (MANE Select); coding-DNA position 1505, T replaced by C.
Protein change: p.Ile502Thr; replaces isoleucine 502 with threonine.
Molecular consequence: missense variant.
Genome position (GRCh38, 1-based): chr6:79,015,101, A>G on the plus strand (T>C on the coding strand, the complement: PHIP is on the minus strand). VCF-style: chr6-79015101-A-G. GRCh37 (hg19) VCF-style: chr6-79724818-A-G.
Other names: short protein forms I502T.
Identifiers: ClinVar variation 1878238 (VCV001878238.1), dbSNP rs1274930445, ClinGen allele CA364633964.